The following is an entry in ClinVar:

NM_032043.3(BRIP1):c.1652C>G (p.Ala551Gly)

Gene: BRIP1 (BRCA1 interacting DNA helicase 1; minus strand). Cytogenetic location: 17q23.2.
Variant type: single nucleotide variant.
Coding change: c.1652C>G on transcript NM_032043.3 (MANE Select); coding-DNA position 1652, C replaced by G.
Protein change: p.Ala551Gly; replaces alanine 551 with glycine.
Molecular consequence: missense variant.
Genome position (GRCh38, 1-based): chr17:61,780,982, G>C on the plus strand (C>G on the coding strand, the complement: BRIP1 is on the minus strand). VCF-style: chr17-61780982-G-C. GRCh37 (hg19) VCF-style: chr17-59858343-G-C.
Other names: short protein forms A551G.
Identifiers: ClinVar variation 1777277 (VCV001777277.2), dbSNP rs375246789, ClinGen allele CA400480540.

ClinVar aggregate classification (germline): Uncertain significance (1 of 4 stars; one submission).

Conditions:
Hereditary cancer-predisposing syndrome. Also called: Neoplastic Syndromes, Hereditary; Tumor predisposition; Hereditary Cancer Syndrome; Hereditary neoplastic syndrome. Identifiers: Orphanet 140162, MedGen C0027672, MeSH D009386, MONDO:0015356.

gnomAD v4.1: 1 of 1,613,764 alleles (0.000062%); highest among the groups gnomAD compares: Non-Finnish European, 0.000085%; no homozygotes.

Submission:

Ambry Genetics
Classification: Uncertain significance for Hereditary cancer-predisposing syndrome. Last evaluated: 2020-04-24. Review status: criteria provided, single submitter. Criteria: Ambry Variant Classification Scheme 2023. Collection method: clinical testing. Allele origin: germline.
Comment: The p.A551G variant (also known as c.1652C>G), located in coding exon 11 of the BRIP1 gene, results from a C to G substitution at nucleotide position 1652. The alanine at codon 551 is replaced by glycine, an amino acid with similar properties. This amino acid position is highly conserved in available vertebrate species. In addition, the in silico prediction for this alteration is inconclusive. Since supporting evidence is limited at this time, the clinical significance of this alteration remains unclear.